The following is an entry in ClinVar:

NM_006371.5(CRTAP):c.452T>G (p.Leu151Arg)

Gene: CRTAP (cartilage associated protein; plus strand). Cytogenetic location: 3p22.3.
Variant type: single nucleotide variant.
Coding change: c.452T>G on transcript NM_006371.5 (MANE Select); coding-DNA position 452, T replaced by G.
Protein change: p.Leu151Arg; replaces leucine 151 with arginine.
Molecular consequence: missense variant.
Genome position (GRCh38, 1-based): chr3:33,114,529, T>G. VCF-style: chr3-33114529-T-G. GRCh37 (hg19) VCF-style: chr3-33156021-T-G.
Other names: short protein forms L151R.
Identifiers: ClinVar variation 1018351 (VCV001018351.5), dbSNP rs1405064021, ClinGen allele CA352008880.

ClinVar aggregate classification (germline): Uncertain significance (1 of 4 stars; one submission).

Conditions:
Osteogenesis imperfecta type 7 (OI7). Also called: OI type 7; OI type VII; OSTEOGENESIS IMPERFECTA, TYPE IIB; Osteogenesis imperfecta type 2B; OI type 2B; Osteogenesis imperfecta, perinatal lethal autosomal recessive. Identifiers: MedGen C1853162, MONDO:0012536, OMIM 610682.

Submission:

Labcorp Genetics (formerly Invitae), Labcorp
Classification: Uncertain significance for Osteogenesis imperfecta type 7. Last evaluated: 2020-10-20. Review status: criteria provided, single submitter. Criteria: Invitae Variant Classification Sherloc (09022015). Collection method: clinical testing. Allele origin: germline.
Comment: In summary, the available evidence is currently insufficient to determine the role of this variant in disease. Therefore, it has been classified as a Variant of Uncertain Significance. Algorithms developed to predict the effect of missense changes on protein structure and function are either unavailable or do not agree on the potential impact of this missense change (SIFT: "Deleterious"; PolyPhen-2: "Probably Damaging"; Align-GVGD: "Class C0"). This variant has not been reported in the literature in individuals with CRTAP-related conditions. This variant is not present in population databases (ExAC no frequency). This sequence change replaces leucine with arginine at codon 151 of the CRTAP protein (p.Leu151Arg). The leucine residue is highly conserved and there is a moderate physicochemical difference between leucine and arginine.